The following is an entry in ClinVar:

ClinVar aggregate classification (germline): Pathogenic. Review status: criteria provided, multiple submitters, no conflicts (2 of 4 stars). 2 submissions from 2 submitters: Pathogenic (2). Last evaluated 2025-07-17.

Conditions:
Hereditary cancer-predisposing syndrome. Also called: Tumor predisposition; Hereditary neoplastic syndrome; Neoplastic Syndromes, Hereditary; Hereditary Cancer Syndrome. Identifiers: Orphanet 140162, MedGen C0027672, MeSH D009386, MONDO:0015356.
Hereditary diffuse gastric adenocarcinoma (HDGC). Also called: DIFFUSE GASTRIC AND LOBULAR BREAST CANCER SYNDROME. Identifiers: Orphanet 26106, MedGen C1708349, MONDO:0007648, OMIM 137215.

Submissions (3):

Ambry Genetics
Classification: Pathogenic for Hereditary cancer-predisposing syndrome. Last evaluated: 2025-07-17. Review status: criteria provided, single submitter. Criteria: Ambry Variant Classification Scheme 2023. Collection method: clinical testing. Allele origin: germline.
Comment: The c.832G>A variant (also known as p.G278R), located in coding exon 6 of the CDH1 gene, results from a G to A substitution at nucleotide position 832. The amino acid change results in glycine to arginine at codon 278, an amino acid with dissimilar properties. However, this change occurs in the last base pair of coding exon 6, which makes it likely to have some effect on normal mRNA splicing. This variant was identified in one or more individuals with features consistent with CDH1-related diffuse gastric and lobular breast cancer (DGLBC) and segregated with disease in at least one family (Pharoah PD et al. Gastroenterology, 2001 Dec;121:1348-53; Oliveira C et al. Hum Mutat, 2002 May;19:510-7). Other variant(s) impacting the same donor site (c.831A>G, p.P277P) have been identified in individual(s) with features consistent with DGLBC (Ambry internal data). This variant is considered to be rare based on population cohorts in the Genome Aggregation Database (gnomAD). This nucleotide position is highly conserved in available vertebrate species. In silico splice site analysis predicts that this alteration will weaken the native splice donor site and will result in the creation or strengthening of a novel splice donor site. RNA studies have demonstrated that this alteration results in abnormal splicing in the set of samples tested (Ambry internal data). Based on the supporting evidence, this variant is interpreted as a disease-causing mutation.

Labcorp Genetics (formerly Invitae), Labcorp
Classification: Pathogenic for Hereditary diffuse gastric adenocarcinoma. Last evaluated: 2025-06-02. Review status: criteria provided, single submitter. Criteria: Invitae Variant Classification Sherloc (09022015). Collection method: clinical testing. Allele origin: germline.
Comment: This sequence change replaces glycine, which is neutral and non-polar, with arginine, which is basic and polar, at codon 278 of the CDH1 protein (p.Gly278Arg). RNA analysis indicates that this missense change induces altered splicing and may result in an absent or altered protein product. This variant is not present in population databases (gnomAD no frequency). This missense change has been observed in individual(s) with hereditary diffuse gastric cancer (PMID: 11968083). It has also been observed to segregate with disease in related individuals. ClinVar contains an entry for this variant (Variation ID: 1522673). An algorithm developed to predict the effect of missense changes on protein structure and function (PolyPhen-2) suggests that this variant is likely to be disruptive. Variants that disrupt the consensus splice site are a relatively common cause of aberrant splicing (PMID: 17576681, 9536098). Studies have shown that this missense change results in skipping of partial exon 6, and produces a non-functional protein and/or introduces a premature termination codon (internal data). For these reasons, this variant has been classified as Pathogenic.

Dr. Peter K. Rogan Lab, Western University
No classification provided (evidence only). Condition: Familial cancer of breast. Review status: no classification provided. Collection method: in vitro. Allele origin: not applicable. Functional consequence: skipped exon. Not counted in ClinVar's aggregate classification.

Literature cited by the submitters: PubMed 11729114 (cited by Ambry Genetics); PubMed 11968083 (cited by Ambry Genetics and Labcorp Genetics (formerly Invitae), Labcorp); PubMed 17576681 (cited by Labcorp Genetics (formerly Invitae), Labcorp); PubMed 9536098 (cited by Labcorp Genetics (formerly Invitae), Labcorp).

NM_004360.5(CDH1):c.832G>A (p.Gly278Arg)

Gene: CDH1 (cadherin 1; plus strand). Cytogenetic location: 16q22.1.
Variant type: single nucleotide variant.
Coding change: c.832G>A on transcript NM_004360.5 (MANE Select); coding-DNA position 832, G replaced by A.
Protein change: p.Gly278Arg; replaces glycine 278 with arginine.
Molecular consequence: missense variant. On other transcripts: 5 prime UTR variant (2).
Genome position (GRCh38, 1-based): chr16:68,810,341, G>A. VCF-style: chr16-68810341-G-A. GRCh37 (hg19) VCF-style: chr16-68844244-G-A.
Other names: c.832G>A, p.Gly278Arg (NM_001317184.2); c.832G>A (NM_004360.3); c.-784G>A (NM_001317185.2); c.-988G>A (NM_001317186.2); short protein forms G278R.
Identifiers: ClinVar variation 1522673 (VCV001522673.9), dbSNP rs943875725, ClinGen allele CA283298493.